The following is an entry in ClinVar:

NM_153676.4(USH1C):c.183dup (p.Ile62fs)

Gene: USH1C (USH1 protein network component harmonin; minus strand). Cytogenetic location: 11p15.1.
Variant type: Duplication.
Coding change: c.183dup on transcript NM_153676.4 (MANE Select); coding-DNA position 183, one base duplicated (C; older notation c.183dupC).
Protein change: p.Ile62fs; shifts the reading frame from isoleucine 62.
Molecular consequence: frameshift variant. On other transcripts: non-coding transcript variant (1).
Genome position (GRCh38, 1-based): chr11:17,531,464, G duplicated on the plus strand (C on the coding strand, the reverse complement: USH1C is on the minus strand); the first of 2 consecutive G bases (chr11:17,531,464-17,531,465); duplicating either gives the same sequence. VCF-style (leftmost placement, unchanged base first): chr11-17531463-T-TG. GRCh37 (hg19) VCF-style: chr11-17553010-T-TG.
Other names: c.183dup, p.Ile62fs (NM_001297764.2, NM_005709.4); short protein forms I62fs.
Identifiers: ClinVar variation 1945035 (VCV001945035.5), dbSNP rs2497227318, ClinGen allele CA2580082809.

ClinVar aggregate classification (germline): Pathogenic (1 of 4 stars; one submission).

Submission:

Labcorp Genetics (formerly Invitae), Labcorp
Classification: Pathogenic. Last evaluated: 2024-02-07. Review status: criteria provided, single submitter. Criteria: Invitae Variant Classification Sherloc (09022015). Collection method: clinical testing. Allele origin: germline.
Comment: This sequence change creates a premature translational stop signal (p.Ile62Hisfs*14) in the USH1C gene. It is expected to result in an absent or disrupted protein product. Loss-of-function variants in USH1C are known to be pathogenic (PMID: 10973247, 17407589, 20301442, 21203349). This variant is not present in population databases (gnomAD no frequency). This variant has not been reported in the literature in individuals affected with USH1C-related conditions. ClinVar contains an entry for this variant (Variation ID: 1945035). Algorithms developed to predict the effect of sequence changes on RNA splicing suggest that this variant may disrupt the consensus splice site. For these reasons, this variant has been classified as Pathogenic.

Literature cited by the submitters: PubMed 10973247; PubMed 17407589; PubMed 20301442; PubMed 21203349.